The following is an entry in ClinVar:

ClinVar aggregate classification (germline): Likely benign (0 of 4 stars; one submission).

Conditions:
GAPVD1-related disorder. Also called: GAPVD1-related condition.

gnomAD v4.1: 41 of 1,612,940 alleles (0.0025%); highest among the groups gnomAD compares: Admixed American, 0.005%; no homozygotes.

Submission:

PreventionGenetics, part of Exact Sciences
Classification: Likely benign for GAPVD1-related condition. Last evaluated: 2019-07-31. Review status: no assertion criteria provided. Collection method: clinical testing. Allele origin: germline.
Comment: This variant is classified as likely benign based on ACMG/AMP sequence variant interpretation guidelines (Richards et al. 2015 PMID: 25741868, with internal and published modifications).

NM_001282680.3(GAPVD1):c.3858C>T (p.Asn1286=)

Gene: GAPVD1 (GTPase activating protein and VPS9 domains 1; plus strand). Cytogenetic location: 9q33.3.
Variant type: single nucleotide variant.
Coding change: c.3858C>T on transcript NM_001282680.3 (MANE Select); coding-DNA position 3858, C replaced by T.
Protein change: p.Asn1286=; no amino-acid change (asparagine 1286 retained).
Molecular consequence: synonymous variant. On other transcripts: non-coding transcript variant (2).
Genome position (GRCh38, 1-based): chr9:125,355,744, C>T. VCF-style: chr9-125355744-C-T. GRCh37 (hg19) VCF-style: chr9-128118023-C-T.
Other names: c.3912C>T, p.Asn1304= (NM_001282679.2); c.3795C>T, p.Asn1265= (NM_001282681.3, NM_001354297.2, NM_001354300.2); c.3714C>T, p.Asn1238= (NM_001330777.3); c.3777C>T, p.Asn1259= (NM_001330778.3); c.3858C>T, p.Asn1286= (NM_001354294.2, NM_001354295.2, NM_001354296.2 and 3 more transcripts); c.3939C>T, p.Asn1313= (NM_015635.4).
Identifiers: ClinVar variation 3358701 (VCV003358701.1).